The following is an entry in ClinVar:

ClinVar aggregate classification (germline): Conflicting classifications of pathogenicity. Review status: criteria provided, conflicting classifications (1 of 4 stars). 9 submissions from 9 submitters: Uncertain significance (1); Benign (4); Likely benign (3). 1 of the submissions does not count toward it. Last evaluated 2025-12-26.

Conditions:
Inborn genetic diseases. Identifiers: MedGen C0950123, MeSH D030342.
Hereditary spastic paraplegia 30. Identifiers: Orphanet 101010, MedGen C5235139, MONDO:0012476.
KIF1A-related disorder. Also called: KIF1A-related disorders; KIF1A-related condition.
Neuropathy, hereditary sensory, type 2C. Also called: Hereditary sensory and autonomic neuropathy type IIC; KIF1A-Related HSAN2 (HSAN2C). Identifiers: Orphanet 970, MedGen C3280168, MONDO:0013634, OMIM 614213.
Intellectual disability, autosomal dominant 9 (NESCAVS). Also called: NESCAV SYNDROME; KIF1A-Related Neurodevelopmental Disorder. Identifiers: Orphanet 662367, MedGen C5393830, MONDO:0013656, OMIM 614255.

gnomAD v4.1: 751 of 1,562,734 alleles (0.048%); highest among the groups gnomAD compares: Middle Eastern, 0.65%; 3 homozygotes.

Submissions (9):

Labcorp Genetics (formerly Invitae), Labcorp
Classification: Benign for Hereditary spastic paraplegia 30; Neuropathy, hereditary sensory, type 2C; Intellectual disability, autosomal dominant 9. Last evaluated: 2025-12-26. Review status: criteria provided, single submitter. Criteria: Invitae Variant Classification Sherloc (09022015). Collection method: clinical testing. Allele origin: germline.

Blueprint Genetics
Classification: Likely benign. Last evaluated: 2024-10-21. Review status: criteria provided, single submitter. Criteria: ACMG Guidelines, 2015. Collection method: clinical testing. Allele origin: germline.

Mayo Clinic Laboratories, Mayo Clinic
Classification: Benign. Last evaluated: 2024-10-14. Review status: criteria provided, single submitter. Criteria: ACMG Guidelines, 2015. Collection method: clinical testing. Allele origin: germline. Observed: 1 variant allele.
Comment: BS1, BS2, BP4, BP7

CeGaT Center for Human Genetics Tuebingen
Classification: Likely benign. Last evaluated: 2024-07-01. Review status: criteria provided, single submitter. Criteria: CeGaT Center For Human Genetics Tuebingen Variant Classification Criteria Version 2. Collection method: clinical testing. Allele origin: germline. Affected: yes. Observed: 4 variant alleles.
Comment: KIF1A: BP4, BP7

GeneDx
Classification: Benign. Last evaluated: 2019-02-22. Review status: criteria provided, single submitter. Criteria: GeneDx Variant Classification Process June 2021. Collection method: clinical testing. Allele origin: germline. Affected: yes.

Ambry Genetics
Classification: Likely benign for Inborn genetic diseases. Last evaluated: 2018-07-16. Review status: criteria provided, single submitter. Criteria: Ambry Variant Classification Scheme 2023. Collection method: clinical testing. Allele origin: germline.

Genetic Services Laboratory, University of Chicago
Classification: Benign. Last evaluated: 2018-06-04. Review status: criteria provided, single submitter. Criteria: ACMG Guidelines, 2015. Collection method: clinical testing. Allele origin: germline. Affected: no.

Illumina Laboratory Services, Illumina
Classification: Uncertain significance for Spastic paraplegia 30A, autosomal dominant. Last evaluated: 2018-01-12. Review status: criteria provided, single submitter. Criteria: ICSL Variant Classification Criteria 13 December 2019. Collection method: clinical testing. Allele origin: germline.

PreventionGenetics, part of Exact Sciences
Classification: Benign for KIF1A-related condition. Last evaluated: 2019-06-10. Review status: no assertion criteria provided. Collection method: clinical testing. Allele origin: germline. Not counted in ClinVar's aggregate classification.
Comment: This variant is classified as benign based on ACMG/AMP sequence variant interpretation guidelines (Richards et al. 2015 PMID: 25741868, with internal and published modifications).

NM_001244008.2(KIF1A):c.3072C>G (p.Ser1024=)

Gene: KIF1A (kinesin family member 1A; minus strand). Cytogenetic location: 2q37.3.
Variant type: single nucleotide variant.
Coding change: c.3072C>G on transcript NM_001244008.2 (MANE Select); coding-DNA position 3072, C replaced by G.
Protein change: p.Ser1024=; no amino-acid change (serine 1024 retained).
Molecular consequence: synonymous variant.
Genome position (GRCh38, 1-based): chr2:240,746,169, G>C on the plus strand (C>G on the coding strand, the complement: KIF1A is on the minus strand). VCF-style: chr2-240746169-G-C. GRCh37 (hg19) VCF-style: chr2-241685586-G-C.
Other names: p.Ser923=; c.2796C>G, p.Ser932= (NM_001320705.2, NM_001330289.2, NM_001379638.1); c.2871C>G, p.Ser957= (NM_001330290.2, NM_001379634.1, NM_001379635.1 and 1 more transcripts); c.3147C>G, p.Ser1049= (NM_001379631.1); c.3021C>G, p.Ser1007= (NM_001379632.1); c.3045C>G, p.Ser1015= (NM_001379633.1, NM_001379642.1, NM_001379645.1); c.2769C>G, p.Ser923= (NM_001379636.1, NM_001379639.1, NM_001379640.1 and 6 more transcripts); c.2844C>G, p.Ser948= (NM_001379637.1, NM_001379648.1); and 1 more.
Identifiers: ClinVar variation 382569 (VCV000382569.58), dbSNP rs73102625, ClinGen allele CA2207908.